The following is an entry in ClinVar:

ClinVar aggregate classification (germline): Uncertain significance (1 of 4 stars; one submission).

Submission:

GeneDx
Classification: Uncertain significance. Last evaluated: 2024-07-22. Review status: criteria provided, single submitter. Criteria: GeneDx Variant Classification Process June 2021. Collection method: clinical testing. Allele origin: germline. Affected: yes.
Comment: Not observed at significant frequency in large population cohorts (gnomAD); In silico analysis supports that this missense variant has a deleterious effect on protein structure/function; Has not been previously published as pathogenic or benign to our knowledge

NM_001375405.1(CEP120):c.637C>G (p.Pro213Ala)

Gene: CEP120 (centrosomal protein 120; minus strand). Cytogenetic location: 5q23.2.
Variant type: single nucleotide variant.
Coding change: c.637C>G on transcript NM_001375405.1 (MANE Select); coding-DNA position 637, C replaced by G.
Protein change: p.Pro213Ala; replaces proline 213 with alanine.
Molecular consequence: missense variant. On other transcripts: non-coding transcript variant (1).
Genome position (GRCh38, 1-based): chr5:123,393,473, G>C on the plus strand (C>G on the coding strand, the complement: CEP120 is on the minus strand). VCF-style: chr5-123393473-G-C. GRCh37 (hg19) VCF-style: chr5-122729167-G-C.
Other names: c.559C>G, p.Pro187Ala (NM_001166226.2); c.637C>G, p.Pro213Ala (NM_001375406.1, NM_001375407.1, NM_153223.4); c.64C>G, p.Pro22Ala (NM_001375408.1, NM_001375409.1); short protein forms P187A, P213A, P22A.
Identifiers: ClinVar variation 3600964 (VCV003600964.1).